The following is an entry in ClinVar:

NM_002294.3(LAMP2):c.1213G>A (p.Ala405Thr)

Gene: LAMP2 (lysosome associated membrane protein 2; minus strand). Cytogenetic location: Xq24.
Variant type: single nucleotide variant.
Coding change: c.1213G>A on transcript NM_002294.3 (MANE Select); coding-DNA position 1213, G replaced by A.
Protein change: p.Ala405Thr; replaces alanine 405 with threonine.
Molecular consequence: missense variant. On other transcripts: intron variant (1).
Genome position (GRCh38, 1-based): chrX:120,431,343, C>T on the plus strand (G>A on the coding strand, the complement: LAMP2 is on the minus strand). VCF-style: chrX-120431343-C-T. GRCh37 (hg19) VCF-style: chrX-119565198-C-T.
Other names: c.1094-2717G>A (NM_001122606.1); short protein forms A405T.
Identifiers: ClinVar variation 463157 (VCV000463157.9), dbSNP rs1556078130, ClinGen allele CA414398060.

ClinVar aggregate classification (germline): Uncertain significance (1 of 4 stars; one submission).

Conditions:
Danon disease. Also called: PSEUDOGLYCOGENOSIS II; GSD IIb; LYSOSOMAL GLYCOGEN STORAGE DISEASE WITHOUT ACID MALTASE DEFICIENCY; ANTOPOL DISEASE; Glycogen Storage Disease Type IIb. Identifiers: Orphanet 34587, MedGen C0878677, MONDO:0010281, OMIM 300257.

Submission:

Labcorp Genetics (formerly Invitae), Labcorp
Classification: Uncertain significance for Danon disease. Last evaluated: 2018-09-13. Review status: criteria provided, single submitter. Criteria: Invitae Variant Classification Sherloc (09022015). Collection method: clinical testing. Allele origin: germline.
Comment: This sequence change replaces alanine with threonine at codon 405 of the LAMP2 protein (p.Ala405Thr). The alanine residue is weakly conserved and there is a small physicochemical difference between alanine and threonine. This variant is not present in population databases (ExAC no frequency) and has not been reported in the literature in individuals with a LAMP2-related disease. Algorithms developed to predict the effect of missense changes on protein structure and function (SIFT, PolyPhen-2, Align-GVGD) all suggest that this variant is likely to be tolerated, but these predictions have not been confirmed by published functional studies. In summary, this variant is a novel missense change that is not predicted to affect protein function. There is no indication that it causes disease, but the available evidence is currently insufficient to prove that conclusively. Therefore, it has been classified as a Variant of Uncertain Significance.